The following is an entry in ClinVar:

ClinVar aggregate classification (germline): Benign/Likely benign. Review status: criteria provided, multiple submitters, no conflicts (2 of 4 stars). 7 submissions from 7 submitters: Benign (1); Likely benign (5). 1 of the submissions does not count toward it. Last evaluated 2025-11-12.

Conditions:
Hereditary cancer-predisposing syndrome. Also called: Hereditary Cancer Syndrome; Hereditary neoplastic syndrome; Neoplastic Syndromes, Hereditary; Tumor predisposition. Identifiers: Orphanet 140162, MedGen C0027672, MeSH D009386, MONDO:0015356.
Familial adenomatous polyposis 1 (FAP1). Also called: POLYPOSIS, ADENOMATOUS INTESTINAL; FAMILIAL ADENOMATOUS POLYPOSIS 1, ATTENUATED. Identifiers: MedGen C2713442, MONDO:0021056, OMIM 175100. Disease mechanism: loss of function.

Allele frequency attached by ClinVar (database versions not stated): gnomAD exomes below 0.00001; gnomAD 0.00001; TOPMed 0.00002.
gnomAD v4.1: 4 of 1,613,082 alleles (0.00025%); highest among the groups gnomAD compares: South Asian, 0.0022%; no homozygotes.

Submissions (7):

Labcorp Genetics (formerly Invitae), Labcorp
Classification: Likely benign for Familial adenomatous polyposis 1. Last evaluated: 2025-11-12. Review status: criteria provided, single submitter. Criteria: Invitae Variant Classification Sherloc (09022015). Collection method: clinical testing. Allele origin: germline.

Myriad Genetics, Inc.
Classification: Benign for Familial adenomatous polyposis 1. Last evaluated: 2024-03-07. Review status: criteria provided, single submitter. Criteria: Myriad Autosomal Dominant, Autosomal Recessive and X-Linked Classification Criteria (2023). Collection method: clinical testing. Allele origin: unknown.
Comment: This variant is considered benign. This variant is a silent/synonymous amino acid change and it is not expected to impact splicing.

Institute for Biomarker Research, Medical Diagnostic Laboratories, L.L.C.
Classification: Likely benign for Hereditary cancer-predisposing syndrome. Last evaluated: 2023-01-24. Review status: criteria provided, single submitter. Criteria: ACMG Guidelines, 2015. Collection method: clinical testing. Allele origin: germline.

Ambry Genetics
Classification: Likely benign for Hereditary cancer-predisposing syndrome. Last evaluated: 2021-03-09. Review status: criteria provided, single submitter. Criteria: Ambry Variant Classification Scheme 2023. Collection method: clinical testing. Allele origin: germline.

Color Diagnostics, LLC DBA Color Health
Classification: Likely benign for Hereditary cancer-predisposing syndrome. Last evaluated: 2017-12-08. Review status: criteria provided, single submitter. Criteria: ACMG Guidelines, 2015. Collection method: clinical testing. Allele origin: germline.

GeneDx
Classification: Likely benign. Last evaluated: 2017-10-16. Review status: criteria provided, single submitter. Criteria: GeneDx Variant Classification (06012015). Collection method: clinical testing. Allele origin: germline. Affected: yes.
Comment: This variant is considered likely benign or benign based on one or more of the following criteria: it is a conservative change, it occurs at a poorly conserved position in the protein, it is predicted to be benign by multiple in silico algorithms, and/or has population frequency not consistent with disease.

Department of Pathology and Laboratory Medicine, Sinai Health System
Classification: Uncertain significance. Review status: no assertion criteria provided. Collection method: clinical testing. Allele origin: unknown. Affected: yes. Observed: 1 variant allele. Study: The Canadian Open Genetics Repository (COGR). Not counted in ClinVar's aggregate classification.
Comment: The p.Gln532Gln variant has not been previously identified in the literature. This variant is not expected to have clinical significance because it does not alter an amino acid residue, is not located near a splice junction. In addition, in-silico or computational prediction software (SpliceSiteFinder, MaxEntScan, NNSPLICE, GeneSplicer, HumanSpliceFinder) predicts no change in the splice site prediction score. In summary, the clinical significance of this variant cannot be determined with certainty at this time, although we would lean towards a more benign role for this variant. This variant is classified as Predicted Benign.

NM_000038.6(APC):c.1596A>G (p.Gln532=)

Gene: APC (APC regulator of Wnt signaling pathway; plus strand). Cytogenetic location: 5q22.2.
Variant type: single nucleotide variant.
Coding change: c.1596A>G on transcript NM_000038.6 (MANE Select); coding-DNA position 1596, A replaced by G.
Protein change: p.Gln532=; no amino-acid change (glutamine 532 retained).
Molecular consequence: synonymous variant.
Genome position (GRCh38, 1-based): chr5:112,827,976, A>G. VCF-style: chr5-112827976-A-G. GRCh37 (hg19) VCF-style: chr5-112163673-A-G.
Other names: c.1596A>G, p.Gln532= (NM_001127510.3, NM_001354895.2); c.1542A>G, p.Gln514= (NM_001127511.3); c.1650A>G, p.Gln550= (NM_001354896.2); c.1626A>G, p.Gln542= (NM_001354897.2); c.1521A>G, p.Gln507= (NM_001354898.2); c.1512A>G, p.Gln504= (NM_001354899.2); c.1473A>G, p.Gln491= (NM_001354900.2); c.1419A>G, p.Gln473= (NM_001354901.2); and 5 more.
Identifiers: ClinVar variation 433623 (VCV000433623.19), dbSNP rs1331131200, ClinGen allele CA445756797.